The following is an entry in ClinVar:

NM_001035.3(RYR2):c.14176A>G (p.Met4726Val)

Gene: RYR2 (ryanodine receptor 2; plus strand). Cytogenetic location: 1q43.
Variant type: single nucleotide variant.
Coding change: c.14176A>G on transcript NM_001035.3 (MANE Select); coding-DNA position 14176, A replaced by G.
Protein change: p.Met4726Val; replaces methionine 4726 with valine.
Molecular consequence: missense variant.
Genome position (GRCh38, 1-based): chr1:237,806,161, A>G. VCF-style: chr1-237806161-A-G. GRCh37 (hg19) VCF-style: chr1-237969461-A-G.
Other names: short protein forms M4726V.
Identifiers: ClinVar variation 1387476 (VCV001387476.7), dbSNP rs2149437486, ClinGen allele CA345422705.

ClinVar aggregate classification (germline): Uncertain significance (1 of 4 stars; one submission).

Conditions:
Catecholaminergic polymorphic ventricular tachycardia 1. Also called: VENTRICULAR TACHYCARDIA, CATECHOLAMINERGIC POLYMORPHIC, 1, WITH OR WITHOUT ATRIAL DYSFUNCTION AND/OR DILATED CARDIOMYOPATHY; VENTRICULAR TACHYCARDIA, STRESS-INDUCED POLYMORPHIC 1; RYR2-Related Catecholaminergic Polymorphic Ventricular Tachycardia. Identifiers: Orphanet 3286, MedGen C1631597, MONDO:0011484, OMIM 604772.

Submission:

Labcorp Genetics (formerly Invitae), Labcorp
Classification: Uncertain significance for Catecholaminergic polymorphic ventricular tachycardia 1. Last evaluated: 2022-12-23. Review status: criteria provided, single submitter. Criteria: Invitae Variant Classification Sherloc (09022015). Collection method: clinical testing. Allele origin: germline.
Comment: This sequence change replaces methionine, which is neutral and non-polar, with valine, which is neutral and non-polar, at codon 4726 of the RYR2 protein (p.Met4726Val). This variant is not present in population databases (gnomAD no frequency). This variant has not been reported in the literature in individuals affected with RYR2-related conditions. ClinVar contains an entry for this variant (Variation ID: 1387476). Advanced modeling of protein sequence and biophysical properties (such as structural, functional, and spatial information, amino acid conservation, physicochemical variation, residue mobility, and thermodynamic stability) performed at Invitae indicates that this missense variant is not expected to disrupt RYR2 protein function. In summary, the available evidence is currently insufficient to determine the role of this variant in disease. Therefore, it has been classified as a Variant of Uncertain Significance.